The following is an entry in ClinVar:

NM_001083962.2(TCF4):c.*5-1G>A

Gene: TCF4 (transcription factor 4; minus strand). Cytogenetic location: 18q21.2.
Variant type: single nucleotide variant.
Coding change: c.*5-1G>A on transcript NM_001083962.2 (MANE Select); the canonical splice acceptor site of the intron before 5 bases downstream of the stop codon, G replaced by A.
Molecular consequence: splice acceptor variant.
Genome position (GRCh38, 1-based): chr18:55,228,031, C>T on the plus strand (G>A on the coding strand, the complement: TCF4 is on the minus strand). VCF-style: chr18-55228031-C-T. GRCh37 (hg19) VCF-style: chr18-52895262-C-T.
Other names: c.*5-1G>A (NM_001243226.3, NM_001369584.1, NM_001369576.1 and 42 more transcripts).
Identifiers: ClinVar variation 207537 (VCV000207537.2), dbSNP rs796053421, ClinGen allele CA319110.

ClinVar aggregate classification (germline): Uncertain significance (1 of 4 stars; one submission).

Submission:

GeneDx
Classification: Uncertain significance. Last evaluated: 2014-01-20. Review status: criteria provided, single submitter. Criteria: GeneDx Variant Classification (06012015). Collection method: clinical testing. Allele origin: germline. Affected: yes.
Comment: c.2021-1 G>A: IVS19-1 G>A in intron 19 of the TCF4 gene (NM_001083962.1). The c.2021-1 G>A variant has not been published as a mutation, nor has it been reported as a benign polymorphism to our knowledge. In silico analysis predicts this variant destroys the natural splice acceptor site in intron 19 leading to abnormal splicing and possibly affecting the 3'UTR. However, in the absence of RNA/functional studies, the actual effect of the c.2021-1 G>A sequence change is unknown. Therefore, based on the currently available information, it is unclear whether c.2021-1 G>A is a disease-causing mutation or a rare benign variant. The variant is found in CHILD-EPI panel(s).